The following is an entry in ClinVar:

NM_001379081.2(FREM1):c.3439G>T (p.Glu1147Ter)

Gene: FREM1 (FRAS1 related extracellular matrix 1; minus strand). Cytogenetic location: 9p22.3.
Variant type: single nucleotide variant.
Coding change: c.3439G>T on transcript NM_001379081.2 (MANE Select); coding-DNA position 3439, G replaced by T.
Protein change: p.Glu1147Ter; replaces glutamic acid 1147 with a stop codon.
Molecular consequence: nonsense. On other transcripts: non-coding transcript variant (2).
Genome position (GRCh38, 1-based): chr9:14,804,988, C>A on the plus strand (G>T on the coding strand, the complement: FREM1 is on the minus strand). VCF-style: chr9-14804988-C-A. GRCh37 (hg19) VCF-style: chr9-14804986-C-A.
Other names: c.3439G>T, p.Glu1147Ter (NM_144966.7); short protein forms E1147*.
Identifiers: ClinVar variation 2715524 (VCV002715524.3), dbSNP rs1818090088, ClinGen allele CA372968079.

ClinVar aggregate classification (germline): Pathogenic (1 of 4 stars; one submission).

Submission:

Labcorp Genetics (formerly Invitae), Labcorp
Classification: Pathogenic. Last evaluated: 2023-08-29. Review status: criteria provided, single submitter. Criteria: Invitae Variant Classification Sherloc (09022015). Collection method: clinical testing. Allele origin: germline.
Comment: This sequence change creates a premature translational stop signal (p.Glu1147*) in the FREM1 gene. It is expected to result in an absent or disrupted protein product. Loss-of-function variants in FREM1 are known to be pathogenic (PMID: 19732862, 21507892). This variant is not present in population databases (gnomAD no frequency). This variant has not been reported in the literature in individuals affected with FREM1-related conditions. Algorithms developed to predict the effect of sequence changes on RNA splicing suggest that this variant may disrupt the consensus splice site. For these reasons, this variant has been classified as Pathogenic.

Literature cited by the submitters: PubMed 19732862; PubMed 21507892.